The following is an entry in ClinVar:

ClinVar aggregate classification (somatic clinical impact): Tier II - Potential (0 of 4 stars; one submission).

Conditions:
Colorectal cancer. Also called: Colorectal cancer, somatic; Malignant Colorectal Neoplasm. Identifiers: MedGen C0346629, MONDO:0005575, OMIM 114500.

Submission:

Department of Clinical Biochemistry, Naestved Hospital
Classification: Tier II - Potential for Colorectal cancer. Assertion type: prognostic. Clinical significance: better outcome. Last evaluated: 2024-10-10. Review status: no assertion criteria provided. Collection method: research. Allele origin: somatic.
Comment: Truncating. Likely loss of function

NM_006015.6(ARID1A):c.5548del (p.Asp1850fs)

Gene: ARID1A (AT-rich interaction domain 1A; plus strand). Cytogenetic location: 1p36.11.
Variant type: Deletion.
Coding change: c.5548del on transcript NM_006015.6 (MANE Select); coding-DNA position 5548, one base deleted (G; older notation c.5548delG).
Protein change: p.Asp1850fs; shifts the reading frame from aspartic acid 1850.
Molecular consequence: frameshift variant.
Genome position (GRCh38, 1-based): chr1:26,779,446, G deleted; the last of 7 consecutive G bases (chr1:26,779,440-26,779,446); deleting any one gives the same sequence. VCF-style (leftmost placement, unchanged base first): chr1-26779439-TG-T. GRCh37 (hg19) VCF-style: chr1-27105930-TG-T.
Other names: c.4897del, p.Asp1633fs (NM_139135.4); short protein forms D1633fs, D1850fs.
Identifiers: ClinVar variation 3897927 (VCV003897927.1).
Genomic context (GRCh38, chr1:26,779,439, plus strand): 5'-CTCAGATAAGCTTGGGCGTGTGCAGGAGTTTGACAGTGGCCTGCTGCACTGGCGGATTGG[TG>T]GGGGGGACACCACTGAGCATATCCAGACCCACTTCGAGAGCAAGACAGAGCTGCTGCCTT-3'